The following is an entry in ClinVar:

ClinVar aggregate classification (germline): Likely pathogenic (1 of 4 stars; one submission).

Conditions:
X-linked Alport syndrome (ATS1). Also called: COL4A5-Related Nephropathy; NEPHROPATHY AND DEAFNESS, X-LINKED. Identifiers: Orphanet 63, Orphanet 88917, MedGen C4746986, MONDO:0010520, OMIM 301050.

Submission:

MVZ Medizinische Genetik Mainz
Classification: Likely pathogenic for X-linked Alport syndrome. Last evaluated: 2023-02-28. Review status: criteria provided, single submitter. Criteria: UK Practice Guidelines For Variant Classification V4 01 2020. Collection method: clinical testing. Allele origin: germline. Inheritance: X-linked dominant inheritance. Affected: yes. Observed: 1 variant allele.
Comment: ACMG Criteria: PM2_SUP, PP3, PP4, PM5, PM1

NM_033380.3(COL4A5):c.449_450delinsAT (p.Gly150Asp)

Gene: COL4A5 (collagen type IV alpha 5 chain; plus strand). Cytogenetic location: Xq22.3.
Variant type: Indel.
Coding change: c.449_450delinsAT on transcript NM_033380.3 (MANE Select); coding-DNA positions 449 to 450, GG replaced by AT.
Protein change: p.Gly150Asp; replaces glycine 150 with aspartic acid.
Molecular consequence: missense variant.
Genome position (GRCh38, 1-based): chrX:108,571,821-108,571,822, GG replaced by AT. VCF-style: chrX-108571821-GG-AT. GRCh37 (hg19) VCF-style: chrX-107815051-GG-AT.
Other names: c.449_450delinsAT, p.Gly150Asp (NM_000495.5); short protein forms G150D.
Identifiers: ClinVar variation 3236223 (VCV003236223.1), dbSNP rs2524209858, ClinGen allele CA2825002913.